The following is an entry in ClinVar:

ClinVar aggregate classification (germline): Uncertain significance (1 of 4 stars; one submission).

Conditions:
Progressive sclerosing poliodystrophy (MTDPS4A). Also called: ALPERS PROGRESSIVE INFANTILE POLIODYSTROPHY; NEURONAL DEGENERATION OF CHILDHOOD WITH LIVER DISEASE, PROGRESSIVE; Alpers Syndrome; ALPERS DIFFUSE DEGENERATION OF CEREBRAL GRAY MATTER WITH HEPATIC CIRRHOSIS; Alpers-Huttenlocher Syndrome; Mitochondrial DNA depletion syndrome 4A (Alpers type). Identifiers: Orphanet 726, MedGen C0205710, MONDO:0008758, OMIM 203700.

Submission:

Labcorp Genetics (formerly Invitae), Labcorp
Classification: Uncertain significance for Progressive sclerosing poliodystrophy. Last evaluated: 2024-08-31. Review status: criteria provided, single submitter. Criteria: Invitae Variant Classification Sherloc (09022015). Collection method: clinical testing. Allele origin: germline.
Comment: This sequence change falls in intron 12 of the POLG gene. It does not directly change the encoded amino acid sequence of the POLG protein. It affects a nucleotide within the consensus splice site. This variant is not present in population databases (gnomAD no frequency). This variant has not been reported in the literature in individuals affected with POLG-related conditions. Variants that disrupt the consensus splice site are a relatively common cause of aberrant splicing (PMID: 17576681, 9536098). Algorithms developed to predict the effect of sequence changes on RNA splicing suggest that this variant may create or strengthen a splice site. In summary, the available evidence is currently insufficient to determine the role of this variant in disease. Therefore, it has been classified as a Variant of Uncertain Significance.

Literature cited by the submitters: PubMed 17576681; PubMed 9536098.

NM_002693.3(POLG):c.2157+6C>G

Gene: POLG (DNA polymerase gamma, catalytic subunit; minus strand). Cytogenetic location: 15q26.1.
Variant type: single nucleotide variant.
Coding change: c.2157+6C>G on transcript NM_002693.3 (MANE Select); 6 bases into the intron after coding-DNA position 2157, C replaced by G.
Molecular consequence: intron variant.
Genome position (GRCh38, 1-based): chr15:89,323,809, G>C on the plus strand (C>G on the coding strand, the complement: POLG is on the minus strand). VCF-style: chr15-89323809-G-C. GRCh37 (hg19) VCF-style: chr15-89867040-G-C.
Other names: c.2157+6C>G (NM_001126131.2).
Identifiers: ClinVar variation 3607242 (VCV003607242.2).